The following is an entry in ClinVar:

NM_002880.4(RAF1):c.834+662G>T

Gene: RAF1 (Raf-1 proto-oncogene, serine/threonine kinase; minus strand). Cytogenetic location: 3p25.2.
Variant type: single nucleotide variant.
Coding change: c.834+662G>T on transcript NM_002880.4 (MANE Select); 662 bases into the intron after coding-DNA position 834, G replaced by T.
Molecular consequence: intron variant.
Genome position (GRCh38, 1-based): chr3:12,603,474, C>A on the plus strand (G>T on the coding strand, the complement: RAF1 is on the minus strand). VCF-style: chr3-12603474-C-A. GRCh37 (hg19) VCF-style: chr3-12644973-C-A.
Other names: c.492+662G>T; c.591+662G>T; c.651+4G>T; c.735+662G>T; c.834+662G>T; c.492+662G>T (NM_001354695.3); c.591+662G>T (NM_001354692.3, NM_001354691.3); c.651+4G>T (NM_001354694.3); and 3 more.
Identifiers: ClinVar variation 1802975 (VCV001802975.2), dbSNP rs2125393825, ClinGen allele CA2580068470.
Genomic context (GRCh38, chr3:12,603,474, plus strand): 5'-TGTCTGACAGTTTTAGCAATCCTGTTAATTACAAGAAAGCAAAGGCATGAAGAAAAATAC[C>A]TACTCTTCCCCTCAAACAAAATCGTCTGGACCACGCCCTGGGAGAAGCACTCAGGTTGTT-3'

ClinVar aggregate classification (germline): Uncertain significance (1 of 4 stars; one submission).

Conditions:
Dilated cardiomyopathy 1NN. Identifiers: Orphanet 154, MedGen C4014656, MONDO:0014396, OMIM 615916.

Submission:

Pediatric/Medical Genetics, Ministry of Health, Qatif Central Hospital
Classification: Uncertain significance for Dilated cardiomyopathy 1NN. Last evaluated: 2022-12-12. Review status: criteria provided, single submitter. Criteria: ACMG Guidelines, 2015. Collection method: clinical testing. Allele origin: germline. Inheritance: Autosomal dominant inheritance. Affected: yes. Observed: 1 heterozygote.